The following is an entry in ClinVar:

ClinVar aggregate classification (germline): Uncertain significance (1 of 4 stars; one submission).

Submission:

Labcorp Genetics (formerly Invitae), Labcorp
Classification: Uncertain significance. Last evaluated: 2024-02-28. Review status: criteria provided, single submitter. Criteria: Invitae Variant Classification Sherloc (09022015). Collection method: clinical testing. Allele origin: germline.
Comment: This sequence change replaces proline, which is neutral and non-polar, with arginine, which is basic and polar, at codon 2326 of the FLNB protein (p.Pro2326Arg). This variant is not present in population databases (gnomAD no frequency). This variant has not been reported in the literature in individuals affected with FLNB-related conditions. Advanced modeling of protein sequence and biophysical properties (such as structural, functional, and spatial information, amino acid conservation, physicochemical variation, residue mobility, and thermodynamic stability) performed at Invitae indicates that this missense variant is not expected to disrupt FLNB protein function with a negative predictive value of 95%. In summary, the available evidence is currently insufficient to determine the role of this variant in disease. Therefore, it has been classified as a Variant of Uncertain Significance.

NM_001457.4(FLNB):c.6977C>G (p.Pro2326Arg)

Gene: FLNB (filamin B; plus strand). Cytogenetic location: 3p14.3.
Variant type: single nucleotide variant.
Coding change: c.6977C>G on transcript NM_001457.4 (MANE Select); coding-DNA position 6977, C replaced by G.
Protein change: p.Pro2326Arg; replaces proline 2326 with arginine.
Molecular consequence: missense variant.
Genome position (GRCh38, 1-based): chr3:58,159,642, C>G. VCF-style: chr3-58159642-C-G. GRCh37 (hg19) VCF-style: chr3-58145369-C-G.
Other names: c.7070C>G, p.Pro2357Arg (NM_001164317.2); c.6944C>G, p.Pro2315Arg (NM_001164318.2); c.6905C>G, p.Pro2302Arg (NM_001164319.2); short protein forms P2326R, P2302R, P2315R, P2357R.
Identifiers: ClinVar variation 3635753 (VCV003635753.2).